The following is an entry in ClinVar:

ClinVar aggregate classification (germline): Likely benign. Review status: criteria provided, single submitter (1 of 4 stars). 2 submissions from 1 submitter: Likely benign (2). Last evaluated 2018-01-12.

Conditions:
Charcot-Marie-Tooth disease recessive intermediate A (CMTRIA). Also called: CHARCOT-MARIE-TOOTH NEUROPATHY, RECESSIVE INTERMEDIATE A. Identifiers: Orphanet 217055, MedGen C1842197, MONDO:0012014, OMIM 608340.
Charcot-Marie-Tooth disease, axonal, with vocal cord paresis, autosomal recessive. Also called: CHARCOT-MARIE-TOOTH DISEASE, TYPE 4A, AXONAL FORM; CHARCOT-MARIE-TOOTH NEUROPATHY, AXONAL, WITH VOCAL CORD PARESIS, AUTOSOMAL RECESSIVE; CMT2 WITH VOCAL CORD PARESIS, AUTOSOMAL RECESSIVE. Identifiers: Orphanet 101097, MedGen C1843183, MONDO:0011898, OMIM 607706.

Allele frequency attached by ClinVar (database versions not stated): 1000 Genomes Project 0.00319; 1000 Genomes Project 30x 0.00328; TOPMed 0.00433; gnomAD exomes 0.00512; ExAC 0.00586.
gnomAD v4.1: 2,874 of 453,976 alleles (0.63%); highest among the groups gnomAD compares: Middle Eastern, 1.9%; 23 homozygotes.

Submissions (2):

Illumina Laboratory Services, Illumina
Classification: Likely benign for Charcot-Marie-Tooth disease recessive intermediate A. Last evaluated: 2018-01-12. Review status: criteria provided, single submitter. Criteria: ICSL Variant Classification Criteria 13 December 2019. Collection method: clinical testing. Allele origin: germline.
Comment: This variant was observed in the ICSL laboratory as part of a predisposition screen in an ostensibly healthy population. It had not been previously curated by ICSL or reported in the Human Gene Mutation Database (HGMD: prior to June 1st, 2018), and was therefore a candidate for classification through an automated scoring system. Utilizing variant allele frequency, disease prevalence and penetrance estimates, and inheritance mode, an automated score was calculated to assess if this variant is too frequent to cause the disease. Based on the score and internal cut-off values, a variant classified as likely benign is not then subjected to further curation. The score for this variant resulted in a classification of likely benign for this disease.

Illumina Laboratory Services, Illumina
Classification: Likely benign for Charcot-Marie-Tooth disease, axonal, with vocal cord paresis, autosomal recessive. Last evaluated: 2018-01-12. Review status: criteria provided, single submitter. Criteria: ICSL Variant Classification Criteria 13 December 2019. Collection method: clinical testing. Allele origin: germline.
Comment: the same text as in the submission from Illumina Laboratory Services, Illumina above.

NM_018972.4(GDAP1):c.*723G>A

Gene: GDAP1 (ganglioside induced differentiation associated protein 1; plus strand). Cytogenetic location: 8q21.11.
Variant type: single nucleotide variant.
Coding change: c.*723G>A on transcript NM_018972.4 (MANE Select); 723 bases downstream of the stop codon, G replaced by A.
Molecular consequence: 3 prime UTR variant. On other transcripts: intron variant (1).
Genome position (GRCh38, 1-based): chr8:74,365,090, G>A. VCF-style: chr8-74365090-G-A. GRCh37 (hg19) VCF-style: chr8-75277325-G-A.
Other names: c.*723G>A (NM_001040875.4, NM_001362929.2, NM_001362930.2 and 1 more transcripts); c.694+2037G>A (NM_001362931.2).
Identifiers: ClinVar variation 909933 (VCV000909933.4), dbSNP rs116863614, ClinGen allele CA4785276.
Genomic context (GRCh38, chr8:74,365,090, plus strand): 5'-TGGTGCCTGTGAGATACCATTCCTCTGGATGGTCATGTCCAGTCAGTGGGAGGTAGAAAG[G>A]GTGGCATCTGTAGCCCTCTTCATACACATAAGTGGCATTTAGGTGAATGTCCCAGCTAAT-3'